The following is an entry in ClinVar:

ClinVar aggregate classification (germline): Uncertain significance (1 of 4 stars; one submission).

Conditions:
Aicardi-Goutieres syndrome 7 (AGS7). Identifiers: Orphanet 51, MedGen C3888244, MONDO:0014367, OMIM 615846.
Singleton-Merten syndrome 1 (SGMRT1). Also called: Widened medullary cavities of bone, aortic calcification, abnormal dentition, and muscular weakness; Syndrome of widened medullary cavities of the metacarpals and phalanges, aortic calcification and abnormal dentition. Identifiers: Orphanet 85191, MedGen C4225427, MONDO:0024535, OMIM 182250.

gnomAD v4.1: 5 of 1,585,340 alleles (0.00032%); highest among the groups gnomAD compares: Non-Finnish European, 0.00034%; no homozygotes.

Submission:

Labcorp Genetics (formerly Invitae), Labcorp
Classification: Uncertain significance for Aicardi-Goutieres syndrome 7; Singleton-Merten syndrome 1. Last evaluated: 2025-01-12. Review status: criteria provided, single submitter. Criteria: Invitae Variant Classification Sherloc (09022015). Collection method: clinical testing. Allele origin: germline.
Comment: This sequence change falls in intron 10 of the IFIH1 gene. It does not directly change the encoded amino acid sequence of the IFIH1 protein. This variant is not present in population databases (gnomAD no frequency). This variant has not been reported in the literature in individuals affected with IFIH1-related conditions. Algorithms developed to predict the effect of sequence changes on RNA splicing suggest that this variant may disrupt the consensus splice site. In summary, the available evidence is currently insufficient to determine the role of this variant in disease. Therefore, it has been classified as a Variant of Uncertain Significance.

NM_022168.4(IFIH1):c.2045-10T>A

Gene: IFIH1 (interferon induced with helicase C domain 1; minus strand). Cytogenetic location: 2q24.2.
Variant type: single nucleotide variant.
Coding change: c.2045-10T>A on transcript NM_022168.4 (MANE Select); 10 bases into the intron before coding-DNA position 2045, T replaced by A.
Molecular consequence: intron variant.
Genome position (GRCh38, 1-based): chr2:162,276,956, A>T on the plus strand (T>A on the coding strand, the complement: IFIH1 is on the minus strand). VCF-style: chr2-162276956-A-T. GRCh37 (hg19) VCF-style: chr2-163133466-A-T.
Identifiers: ClinVar variation 3760303 (VCV003760303.2).